The following is an entry in ClinVar:

ClinVar aggregate classification (germline): Pathogenic (1 of 4 stars; one submission).

Submission:

Labcorp Genetics (formerly Invitae), Labcorp
Classification: Pathogenic. Last evaluated: 2022-10-07. Review status: criteria provided, single submitter. Criteria: Invitae Variant Classification Sherloc (09022015). Collection method: clinical testing. Allele origin: germline.
Comment: This sequence change creates a premature translational stop signal (p.Ala193Serfs*17) in the YWHAG gene. While this is not anticipated to result in nonsense mediated decay, it is expected to disrupt the last 55 amino acid(s) of the YWHAG protein. This variant is not present in population databases (gnomAD no frequency). This variant has not been reported in the literature in individuals affected with YWHAG-related conditions. This variant disrupts a region of the YWHAG protein in which other variant(s) (p.Glu207Lys) have been determined to be pathogenic (PMID: 33393734). This suggests that this is a clinically significant region of the protein, and that variants that disrupt it are likely to be disease-causing. For these reasons, this variant has been classified as Pathogenic.

Literature cited by the submitters: PubMed 33393734.

NM_012479.4(YWHAG):c.576dup (p.Ala193fs)

Gene: YWHAG (tyrosine 3-monooxygenase/tryptophan 5-monooxygenase activation protein gamma; minus strand). Cytogenetic location: 7q11.23.
Variant type: Duplication.
Coding change: c.576dup on transcript NM_012479.4 (MANE Select); coding-DNA position 576, one base duplicated (A; older notation c.576dupA).
Protein change: p.Ala193fs; shifts the reading frame from alanine 193.
Molecular consequence: frameshift variant.
Genome position (GRCh38, 1-based): chr7:76,329,745, T duplicated on the plus strand (A on the coding strand, the reverse complement: YWHAG is on the minus strand); the first of 2 consecutive T bases (chr7:76,329,745-76,329,746); duplicating either gives the same sequence. VCF-style (leftmost placement, unchanged base first): chr7-76329744-C-CT. GRCh37 (hg19) VCF-style: chr7-75959061-C-CT.
Other names: short protein forms A193fs.
Identifiers: ClinVar variation 2034563 (VCV002034563.4), dbSNP rs2536180775, ClinGen allele CA2580077366.